The following is an entry in ClinVar:

ClinVar aggregate classification (germline): Uncertain significance (1 of 4 stars; one submission).

Conditions:
Stickler syndrome type 2 (STL2). Also called: STICKLER SYNDROME, BEADED VITREOUS TYPE; STICKLER SYNDROME, VITREOUS TYPE 2; COL11A1-Related Stickler Syndrome; STICKLER SYNDROME, TYPE II. Identifiers: Orphanet 828, Orphanet 90654, MedGen C1858084, MONDO:0011493, OMIM 604841.
Marshall syndrome (MRSHS). Identifiers: Orphanet 560, MedGen C0265235, MONDO:0007949, OMIM 154780.

Submission:

Clinical Genomics Laboratory, Washington University in St. Louis
Classification: Uncertain significance for Marshall syndrome; Stickler syndrome type 2. Last evaluated: 2024-06-16. Review status: criteria provided, single submitter. Criteria: ACMG Guidelines, 2015. Collection method: clinical testing. Allele origin: germline.
Comment: The COL11A1 c.2890G>A (p.Gly964Arg) variant, to our knowledge, has not been reported in the medical literature. This variant is absent from the general population (gnomAD v.2.1.1), indicating it is not a common variant. This variant replaces a glycine residue in a repeating Gly-X-Y amino acid sequence of COL11A1 that is defined as critical for the structure of the collagen (Richards AJ et al., PMID: 35885981). Computational predictors indicate that the variant is damaging, evidence that correlates with impact to COL11A1 function. Due to limited information, and based on ACMG/AMP guidelines for variant interpretation (Richards S et al., PMID: 25741868), the clinical significance of this variant is uncertain at this time.

NM_001854.4(COL11A1):c.2890G>A (p.Gly964Arg)

Gene: COL11A1 (collagen type XI alpha 1 chain; minus strand). Cytogenetic location: 1p21.1.
Variant type: single nucleotide variant.
Coding change: c.2890G>A on transcript NM_001854.4 (MANE Select); coding-DNA position 2890, G replaced by A.
Protein change: p.Gly964Arg; replaces glycine 964 with arginine.
Molecular consequence: missense variant. On other transcripts: non-coding transcript variant (1).
Genome position (GRCh38, 1-based): chr1:102,965,513, C>T on the plus strand (G>A on the coding strand, the complement: COL11A1 is on the minus strand). VCF-style: chr1-102965513-C-T. GRCh37 (hg19) VCF-style: chr1-103431069-C-T.
Other names: c.2773G>A, p.Gly925Arg (NM_001190709.2); c.2926G>A, p.Gly976Arg (NM_080629.3); c.2542G>A, p.Gly848Arg (NM_080630.4); short protein forms G848R, G925R, G964R, G976R.
Identifiers: ClinVar variation 3600516 (VCV003600516.1).